The following is an entry in ClinVar:

ClinVar aggregate classification (germline): Uncertain significance. Review status: criteria provided, multiple submitters, no conflicts (2 of 4 stars). 2 submissions from 2 submitters: Uncertain significance (2). Last evaluated 2025-12-30.

Conditions:
Inborn genetic diseases. Identifiers: MedGen C0950123, MeSH D030342.

gnomAD v4.1: 3 of 1,594,836 alleles (0.00019%); highest among the groups gnomAD compares: African/African-American, 0.0027%; no homozygotes.

Submissions (2):

Ambry Genetics
Classification: Uncertain significance for Inborn genetic diseases. Last evaluated: 2025-12-30. Review status: criteria provided, single submitter. Criteria: Ambry Variant Classification Scheme 2023. Collection method: clinical testing. Allele origin: germline.

Labcorp Genetics (formerly Invitae), Labcorp
Classification: Uncertain significance. Last evaluated: 2025-07-21. Review status: criteria provided, single submitter. Criteria: Invitae Variant Classification Sherloc (09022015). Collection method: clinical testing. Allele origin: germline.
Comment: This sequence change replaces glycine, which is neutral and non-polar, with alanine, which is neutral and non-polar, at codon 2439 of the CHD8 protein (p.Gly2439Ala). This variant is not present in population databases (gnomAD no frequency). This variant has not been reported in the literature in individuals affected with CHD8-related conditions. ClinVar contains an entry for this variant (Variation ID: 3630718). Invitae Evidence Modeling of protein sequence and biophysical properties (such as structural, functional, and spatial information, amino acid conservation, physicochemical variation, residue mobility, and thermodynamic stability) indicates that this missense variant is not expected to disrupt CHD8 protein function with a negative predictive value of 95%. In summary, the available evidence is currently insufficient to determine the role of this variant in disease. Therefore, it has been classified as a Variant of Uncertain Significance.

NM_001170629.2(CHD8):c.7316G>C (p.Gly2439Ala)

Gene: CHD8 (chromodomain helicase DNA binding protein 8; minus strand). Cytogenetic location: 14q11.2.
Variant type: single nucleotide variant.
Coding change: c.7316G>C on transcript NM_001170629.2 (MANE Select); coding-DNA position 7316, G replaced by C.
Protein change: p.Gly2439Ala; replaces glycine 2439 with alanine.
Molecular consequence: missense variant.
Genome position (GRCh38, 1-based): chr14:21,386,043, C>G on the plus strand (G>C on the coding strand, the complement: CHD8 is on the minus strand). VCF-style: chr14-21386043-C-G. GRCh37 (hg19) VCF-style: chr14-21854202-C-G.
Other names: c.6479G>C, p.Gly2160Ala (NM_020920.4); c.7316G>C (NM_001170629.1); short protein forms G2439A, G2160A.
Identifiers: ClinVar variation 3630718 (VCV003630718.3).